The following is an entry in ClinVar:

ClinVar aggregate classification (germline): Benign/Likely benign. Review status: criteria provided, multiple submitters, no conflicts (2 of 4 stars). 6 submissions from 6 submitters: Benign (2); Likely benign (2). 2 of the submissions do not count toward it. Last evaluated 2026-03-01.

Conditions:
Bardet-Biedl syndrome (BBS). Identifiers: Orphanet 110, MedGen C0752166, MONDO:0015229.
Bardet-Biedl syndrome 9 (BBS9). Identifiers: Orphanet 110, MedGen C1859567, MONDO:0014437, OMIM 615986.

Allele frequency attached by ClinVar (database versions not stated): ESP Exome Variant Server 0.00008; gnomAD exomes 0.00056 and 0.00230; gnomAD 0.00081 and 0.00111; TOPMed 0.00138; ExAC 0.00178; 1000 Genomes Project 30x 0.00656; 1000 Genomes Project 0.00679.
gnomAD v4.1: 1,044 of 1,614,054 alleles (0.065%); highest among the groups gnomAD compares: East Asian, 1.9%; 11 homozygotes.

Submissions (6):

CeGaT Center for Human Genetics Tuebingen
Classification: Likely benign. Last evaluated: 2026-03-01. Review status: criteria provided, single submitter. Criteria: CeGaT Center For Human Genetics Tuebingen Variant Classification Criteria Version 2. Collection method: clinical testing. Allele origin: germline. Affected: yes. Observed: 2 variant alleles.
Comment: BBS9: BS1

Labcorp Genetics (formerly Invitae), Labcorp
Classification: Benign for Bardet-Biedl syndrome. Last evaluated: 2026-01-28. Review status: criteria provided, single submitter. Criteria: Invitae Variant Classification Sherloc (09022015). Collection method: clinical testing. Allele origin: germline.

Fulgent Genetics
Classification: Likely benign for Bardet-Biedl syndrome 9. Last evaluated: 2021-07-15. Review status: criteria provided, single submitter. Criteria: ACMG Guidelines, 2015. Collection method: clinical testing. Allele origin: unknown.

Illumina Laboratory Services, Illumina
Classification: Benign for Bardet-Biedl syndrome 9. Last evaluated: 2018-01-13. Review status: criteria provided, single submitter. Criteria: ICSL Variant Classification Criteria 13 December 2019. Collection method: clinical testing. Allele origin: germline.
Comment: This variant was observed in the ICSL laboratory as part of a predisposition screen in an ostensibly healthy population. It had not been previously curated by ICSL or reported in the Human Gene Mutation Database (HGMD: prior to June 1st, 2018), and was therefore a candidate for classification through an automated scoring system. Utilizing variant allele frequency, disease prevalence and penetrance estimates, and inheritance mode, an automated score was calculated to assess if this variant is too frequent to cause the disease. Based on the score and internal cut-off values, a variant classified as benign is not then subjected to further curation. The score for this variant resulted in a classification of benign for this disease.

Clinical Genetics DNA and cytogenetics Diagnostics Lab, Erasmus MC, Erasmus Medical Center
Classification: Benign. Review status: no assertion criteria provided. Collection method: clinical testing. Allele origin: germline. Affected: yes. Study: VKGL Data-share Consensus. Not counted in ClinVar's aggregate classification.

Clinical Genetics, Academic Medical Center
Classification: Benign. Review status: no assertion criteria provided. Collection method: clinical testing. Allele origin: germline. Affected: yes. Study: VKGL Data-share Consensus. Not counted in ClinVar's aggregate classification.

NM_198428.3(BBS9):c.2086G>A (p.Asp696Asn)

Gene: BBS9 (Bardet-Biedl syndrome 9; plus strand). Cytogenetic location: 7p14.3.
Variant type: single nucleotide variant.
Coding change: c.2086G>A on transcript NM_198428.3 (MANE Select); coding-DNA position 2086, G replaced by A.
Protein change: p.Asp696Asn; replaces aspartic acid 696 with asparagine.
Molecular consequence: missense variant. On other transcripts: non-coding transcript variant (3).
Genome position (GRCh38, 1-based): chr7:33,388,115, G>A. VCF-style: chr7-33388115-G-A. GRCh37 (hg19) VCF-style: chr7-33427727-G-A.
Other names: c.1981G>A, p.Asp661Asn (NM_001033604.2); c.2071G>A, p.Asp691Asn (NM_001033605.2); c.2086G>A, p.Asp696Asn (NM_001348036.1, NM_001348041.4, NM_001348043.3 and 1 more transcripts); c.1720G>A, p.Asp574Asn (NM_001348037.3, NM_001348045.3, NM_001348046.3); c.1813G>A, p.Asp605Asn (NM_001348038.3); c.1708G>A, p.Asp570Asn (NM_001348039.3); c.1966G>A, p.Asp656Asn (NM_001348040.3, NM_014451.4); c.1951G>A, p.Asp651Asn (NM_001348042.3); and 1 more; short protein forms D696N, D570N, D539N, D574N, D605N, D651N, D661N, D691N.
Identifiers: ClinVar variation 360068 (VCV000360068.25), dbSNP rs117543061, ClinGen allele CA4214592.
Genomic context (GRCh38, chr7:33,388,115, plus strand): 5'-ATTCAACGCCGGCTACTAGCAAGATTCAAAGATAAAACTCCTGCCCCTCTTCAACACCTG[G>A]ACACCTTGTTAGATGGAACCTACAAGCAGGTCAGTATAATATCAGTAACAGTTTTCTATT-3'
Protein context (NP_940820.1, residues 686-706): DKTPAPLQHL[Asp696Asn]TLLDGTYKQV